The following is an entry in ClinVar:

NM_001031710.3(KLHL7):c.232_253dup (p.Val85delinsAlaTer)

Gene: KLHL7 (kelch like family member 7; plus strand). Cytogenetic location: 7p15.3.
Variant type: Duplication.
Coding change: c.232_253dup on transcript NM_001031710.3 (MANE Select); coding-DNA positions 232 to 253, 22 bases duplicated (CTTGAATCAAAGTCCTTTGAAG).
Protein change: p.Val85delinsAlaTer.
Molecular consequence: nonsense. On other transcripts: non-coding transcript variant (2).
Genome position (GRCh38, 1-based): chr7:23,124,696-23,124,717, CTTGAATCAAAGTCCTTTGAAG duplicated; duplicating any 22 consecutive bases within chr7:23,124,695-23,124,717 gives the same sequence; the c. name uses the placement nearest the transcript's 3' end. VCF-style (leftmost placement, unchanged base first): chr7-23124694-T-TGCTTGAATCAAAGTCCTTTGAA. GRCh37 (hg19) VCF-style: chr7-23164313-T-TGCTTGAATCAAAGTCCTTTGAA.
Other names: c.232_253dup, p.Val85delinsAlaTer (NM_001172428.2); c.88_109dup, p.Val37delinsAlaTer (NM_018846.5).
Identifiers: ClinVar variation 1451477 (VCV001451477.6), dbSNP rs2128460328, ClinGen allele CA2573142034.

ClinVar aggregate classification (germline): Pathogenic (1 of 4 stars; one submission).

Submission:

Labcorp Genetics (formerly Invitae), Labcorp
Classification: Pathogenic. Last evaluated: 2021-07-08. Review status: criteria provided, single submitter. Criteria: Invitae Variant Classification Sherloc (09022015). Collection method: clinical testing. Allele origin: germline.
Comment: This sequence change creates a premature translational stop signal (p.Val85Alafs*2) in the KLHL7 gene. It is expected to result in an absent or disrupted protein product. Loss-of-function variants in KLHL7 are known to be pathogenic (PMID: 27392078, 29074562, 30426380, 31953236). This variant is not present in population databases (ExAC no frequency). This variant has not been reported in the literature in individuals with KLHL7-related conditions. For these reasons, this variant has been classified as Pathogenic.

Literature cited by the submitters: PubMed 27392078; PubMed 29074562; PubMed 30426380; PubMed 31953236.